The following is an entry in ClinVar:

ClinVar aggregate classification (germline): Uncertain significance. Review status: criteria provided, multiple submitters, no conflicts (2 of 4 stars). 2 submissions from 2 submitters: Uncertain significance (2). Last evaluated 2025-09-06.

Conditions:
Hajdu-Cheney syndrome (HJCYS). Also called: ACROOSTEOLYSIS WITH OSTEOPOROSIS AND CHANGES IN SKULL AND MANDIBLE; Acroosteolysis dominant type; SERPENTINE FIBULA-POLYCYSTIC KIDNEY SYNDROME. Identifiers: Orphanet 955, MedGen C0917715, MONDO:0007057, OMIM 102500.
Alagille syndrome due to a NOTCH2 point mutation. Also called: Alagille syndrome 2. Identifiers: Orphanet 261629, Orphanet 52, MedGen C1857761, MONDO:0012439, OMIM 610205.

gnomAD v4.1: 26 of 1,614,180 alleles (0.0016%); highest among the groups gnomAD compares: Non-Finnish European, 0.0022%; no homozygotes.

Submissions (2):

Labcorp Genetics (formerly Invitae), Labcorp
Classification: Uncertain significance for Hajdu-Cheney syndrome. Last evaluated: 2025-09-06. Review status: criteria provided, single submitter. Criteria: Invitae Variant Classification Sherloc (09022015). Collection method: clinical testing. Allele origin: germline.
Comment: This sequence change replaces proline, which is neutral and non-polar, with alanine, which is neutral and non-polar, at codon 939 of the NOTCH2 protein (p.Pro939Ala). This variant is not present in population databases (gnomAD no frequency). This variant has not been reported in the literature in individuals affected with NOTCH2-related conditions. ClinVar contains an entry for this variant (Variation ID: 3587562). Invitae Evidence Modeling of protein sequence and biophysical properties (such as structural, functional, and spatial information, amino acid conservation, physicochemical variation, residue mobility, and thermodynamic stability) indicates that this missense variant is not expected to disrupt NOTCH2 protein function with a negative predictive value of 80%. In summary, the available evidence is currently insufficient to determine the role of this variant in disease. Therefore, it has been classified as a Variant of Uncertain Significance.

Fulgent Genetics
Classification: Uncertain significance for Hajdu-Cheney syndrome; Alagille syndrome due to a NOTCH2 point mutation. Last evaluated: 2023-12-27. Review status: criteria provided, single submitter. Criteria: ACMG Guidelines, 2015. Collection method: clinical testing. Allele origin: germline.

NM_024408.4(NOTCH2):c.2815C>G (p.Pro939Ala)

Gene: NOTCH2 (notch receptor 2; minus strand). Cytogenetic location: 1p12.
Variant type: single nucleotide variant.
Coding change: c.2815C>G on transcript NM_024408.4 (MANE Select); coding-DNA position 2815, C replaced by G.
Protein change: p.Pro939Ala; replaces proline 939 with alanine.
Molecular consequence: missense variant.
Genome position (GRCh38, 1-based): chr1:119,941,692, G>C on the plus strand (C>G on the coding strand, the complement: NOTCH2 is on the minus strand). VCF-style: chr1-119941692-G-C. GRCh37 (hg19) VCF-style: chr1-120484315-G-C.
Other names: c.2815C>G, p.Pro939Ala (NM_001200001.2); short protein forms P939A.
Identifiers: ClinVar variation 3587562 (VCV003587562.2).